The following is an entry in ClinVar:

ClinVar aggregate classification (germline): Likely benign (1 of 4 stars; one submission).

Conditions:
DLC1-related disorder. Also called: DLC1-related condition.

gnomAD v4.1: 245 of 1,612,746 alleles (0.015%); highest among the groups gnomAD compares: South Asian, 0.26%; 3 homozygotes.

Submission:

PreventionGenetics, part of Exact Sciences
Classification: Likely benign for DLC1-related condition. Last evaluated: 2024-12-20. Review status: criteria provided, single submitter. Criteria: ACMG Guidelines, 2015. Collection method: clinical testing. Allele origin: germline.
Comment: This variant is classified as likely benign based on ACMG/AMP sequence variant interpretation guidelines (Richards et al. 2015 PMID: 25741868, with internal and published modifications).

NM_182643.3(DLC1):c.2363A>C (p.Asn788Thr)

Gene: DLC1 (DLC1 Rho GTPase activating protein; minus strand). Cytogenetic location: 8p22.
Variant type: single nucleotide variant.
Coding change: c.2363A>C on transcript NM_182643.3 (MANE Select); coding-DNA position 2363, A replaced by C.
Protein change: p.Asn788Thr; replaces asparagine 788 with threonine.
Molecular consequence: missense variant.
Genome position (GRCh38, 1-based): chr8:13,099,974, T>G on the plus strand (A>C on the coding strand, the complement: DLC1 is on the minus strand). VCF-style: chr8-13099974-T-G. GRCh37 (hg19) VCF-style: chr8-12957483-T-G.
Other names: c.830A>C, p.Asn277Thr (NM_001164271.2, NM_001348082.2, NM_001348083.1 and 6 more transcripts); c.1154A>C, p.Asn385Thr (NM_001316668.2, NM_001413129.1); c.2363A>C, p.Asn788Thr (NM_001348081.2, NM_001413124.1); c.1145A>C, p.Asn382Thr (NM_001413130.1); c.803A>C, p.Asn268Thr (NM_001413131.1, NM_001413137.1); c.1289A>C, p.Asn430Thr (NM_001413132.1); c.1052A>C, p.Asn351Thr (NM_001413135.1, NM_001413136.1, NM_001413139.1 and 1 more transcripts); c.1187A>C, p.Asn396Thr (NM_001413140.1); short protein forms N396T, N430T, N788T, N268T, N277T, N351T, N382T, N385T.
Identifiers: ClinVar variation 4980330 (VCV004980330.1).